The following is an entry in ClinVar:

ClinVar aggregate classification (germline): Pathogenic/Likely pathogenic. Review status: criteria provided, multiple submitters, no conflicts (2 of 4 stars). 2 submissions from 2 submitters: Pathogenic (1); Likely pathogenic (1). Last evaluated 2024-12-02.

Conditions:
Metachromatic leukodystrophy (MLD). Also called: Cerebral sclerosis diffuse metachromatic form; ARSA DEFICIENCY; CEREBROSIDE SULFATASE DEFICIENCY; METACHROMATIC LEUKOENCEPHALOPATHY; SULFATIDE LIPIDOSIS; Arylsulfatase A Deficiency. Identifiers: Orphanet 512, MedGen C0023522, MONDO:0018868, OMIM 250100.

Submissions (2):

Labcorp Genetics (formerly Invitae), Labcorp
Classification: Pathogenic for Metachromatic leukodystrophy. Last evaluated: 2024-12-02. Review status: criteria provided, single submitter. Criteria: Invitae Variant Classification Sherloc (09022015). Collection method: clinical testing. Allele origin: germline.
Comment: This sequence change replaces phenylalanine, which is neutral and non-polar, with leucine, which is neutral and non-polar, at codon 143 of the ARSA protein (p.Phe143Leu). This variant is not present in population databases (gnomAD no frequency). This missense change has been observed in individual(s) with metachromatic leukodystrophy (PMID: 30057904). In at least one individual the data is consistent with being in trans (on the opposite chromosome) from a pathogenic variant. ClinVar contains an entry for this variant (Variation ID: 2152333). Invitae Evidence Modeling of protein sequence and biophysical properties (such as structural, functional, and spatial information, amino acid conservation, physicochemical variation, residue mobility, and thermodynamic stability) indicates that this missense variant is expected to disrupt ARSA protein function with a positive predictive value of 95%. For these reasons, this variant has been classified as Pathogenic.

Natera, Inc.
Classification: Likely pathogenic for Metachromatic leukodystrophy. Last evaluated: 2024-06-27. Review status: criteria provided, single submitter. Criteria: Natera Variant Classification Schema (03/2026). Collection method: clinical testing. Allele origin: germline.
Comment: The c.427T>C variant in ARSA is a missense variant predicted to cause substitution of phenylalanine to leucine at amino acid 143. This variant is rare in the general population with a frequency below the threshold expected for the associated phenotype(s). This variant has been observed in one or more individuals affected with the associated recessive disease, as either homozygous or compound heterozygous with a second variant (PMID: 30057904). This variant has been identified in one or more affected individuals with a phenotype highly consistent with the associated gene (PMID: 30057904). Computational prediction algorithms indicate this variant is likely to affect gene or protein function. Given the available evidence, this variant is classified as Likely Pathogenic.

Literature cited by the submitters: PubMed 30057904 (cited by Labcorp Genetics (formerly Invitae), Labcorp and Natera, Inc.).

NM_000487.6(ARSA):c.427T>C (p.Phe143Leu)

Gene: ARSA (arylsulfatase A; minus strand). Cytogenetic location: 22q13.33.
Variant type: single nucleotide variant.
Coding change: c.427T>C on transcript NM_000487.6 (MANE Select); coding-DNA position 427, T replaced by C.
Protein change: p.Phe143Leu; replaces phenylalanine 143 with leucine.
Molecular consequence: missense variant.
Genome position (GRCh38, 1-based): chr22:50,627,204, A>G on the plus strand (T>C on the coding strand, the complement: ARSA is on the minus strand). VCF-style: chr22-50627204-A-G. GRCh37 (hg19) VCF-style: chr22-51065632-A-G.
Other names: c.427T>C (NM_000487.5); c.427T>C, p.Phe143Leu (NM_001085425.3, NM_001085426.3, NM_001085427.3); c.169T>C, p.Phe57Leu (NM_001085428.3, NM_001362782.2); short protein forms F57L, F143L.
Identifiers: ClinVar variation 2152333 (VCV002152333.5), dbSNP rs2518333422, ClinGen allele CA412180220.
Genomic context (GRCh38, chr22:50,627,204, plus strand): 5'-TGAGGGCCCGGGTGGTTCCTACCTGGTCGTGGGAGTACGGGATGCCTAGAAATCGATGGA[A>G]GCCCTGATGGGGGGGCAGGAAGGCCCCCTCAGGCCCCACCCCAAGGTGCCACTTGCCGGC-3'
Protein context (NP_000478.3, residues 133-153): EGAFLPPHQG[Phe143Leu]HRFLGIPYSH